The following is an entry in ClinVar:

NM_000350.3(ABCA4):c.3291A>T (p.Arg1097Ser)

Gene: ABCA4 (ATP binding cassette subfamily A member 4; minus strand). Cytogenetic location: 1p22.1.
Variant type: single nucleotide variant.
Coding change: c.3291A>T on transcript NM_000350.3 (MANE Select); coding-DNA position 3291, A replaced by T.
Protein change: p.Arg1097Ser; replaces arginine 1097 with serine.
Molecular consequence: missense variant.
Genome position (GRCh38, 1-based): chr1:94,042,798, T>A on the plus strand (A>T on the coding strand, the complement: ABCA4 is on the minus strand). VCF-style: chr1-94042798-T-A. GRCh37 (hg19) VCF-style: chr1-94508354-T-A.
Other names: c.3069A>T, p.Arg1023Ser (NM_001425324.1); short protein forms R1097S, R1023S.
Identifiers: ClinVar variation 866509 (VCV000866509.4), dbSNP rs61750118, ClinGen allele CA341292028.
Genomic context (GRCh38, chr1:94,042,798, plus strand): 5'-GGAGACTGAGCAGCAGCTGTTACCTGAGCGATACTTCAGGAGCAGATCCCAGATTGAGCG[T>A]CTCGAGTAAGGGTCCACCCCAGAGGTGGGTTCGTCCAGAATCACCACCTTGGCATCTCCC-3'
Protein context (NP_000341.2, residues 1087-1107): EPTSGVDPYS[Arg1097Ser]RSIWDLLLKY

ClinVar aggregate classification (germline): Likely pathogenic. Review status: criteria provided, multiple submitters, no conflicts (2 of 4 stars). 2 submissions from 2 submitters: Likely pathogenic (2). Last evaluated 2026-06-03.

Conditions:
ABCA4-related disorder. Also called: ABCA4-related condition; ABCA4-related disorders. Identifiers: MedGen CN239167.

gnomAD v4.1: 3 of 1,614,156 alleles (0.00019%); highest among the groups gnomAD compares: Non-Finnish European, 0.00017%; no homozygotes.

Submissions (2):

GeneDx
Classification: Likely pathogenic. Last evaluated: 2026-06-03. Review status: criteria provided, single submitter. Criteria: GeneDx Variant Classification Process June 2021. Collection method: clinical testing. Allele origin: germline.
Comment: Not observed at significant frequency in large population cohorts (gnomAD); In silico analysis supports that this missense variant has a deleterious effect on protein structure/function; This variant is associated with the following publications: (PMID: 38802398, 23143460)

Blueprint Genetics
Classification: Likely pathogenic for ABCA4-related disorders. Last evaluated: 2021-07-12. Review status: criteria provided, single submitter. Criteria: ACMG Guidelines, 2015. Collection method: clinical testing. Allele origin: germline. Affected: yes. Observed: 4 variant alleles.